The following is an entry in ClinVar:

ClinVar aggregate classification (germline): Uncertain significance (1 of 4 stars; one submission).

Conditions:
Duchenne muscular dystrophy (DMD). Also called: MUSCULAR DYSTROPHY, PSEUDOHYPERTROPHIC PROGRESSIVE, DUCHENNE TYPE; Duchenne Muscular Dystrophy (DMD). Identifiers: Orphanet 98896, MedGen C0013264, MONDO:0010679, OMIM 310200.

Submission:

Labcorp Genetics (formerly Invitae), Labcorp
Classification: Uncertain significance for Duchenne muscular dystrophy. Last evaluated: 2023-08-04. Review status: criteria provided, single submitter. Criteria: Invitae Variant Classification Sherloc (09022015). Collection method: clinical testing. Allele origin: germline.
Comment: In summary, the available evidence is currently insufficient to determine the role of this variant in disease. Therefore, it has been classified as a Variant of Uncertain Significance. Advanced modeling of protein sequence and biophysical properties (such as structural, functional, and spatial information, amino acid conservation, physicochemical variation, residue mobility, and thermodynamic stability) performed at Invitae indicates that this missense variant is not expected to disrupt DMD protein function. This variant has not been reported in the literature in individuals affected with DMD-related conditions. This variant is not present in population databases (gnomAD no frequency). This sequence change replaces glutamic acid, which is acidic and polar, with lysine, which is basic and polar, at codon 1622 of the DMD protein (p.Glu1622Lys).

NM_004006.3(DMD):c.4864G>A (p.Glu1622Lys)

Gene: DMD (dystrophin; minus strand). Cytogenetic location: Xp21.1.
Variant type: single nucleotide variant.
Coding change: c.4864G>A on transcript NM_004006.3 (MANE Select); coding-DNA position 4864, G replaced by A.
Protein change: p.Glu1622Lys; replaces glutamic acid 1622 with lysine.
Molecular consequence: missense variant.
Genome position (GRCh38, 1-based): chrX:32,365,181, C>T on the plus strand (G>A on the coding strand, the complement: DMD is on the minus strand). VCF-style: chrX-32365181-C-T. GRCh37 (hg19) VCF-style: chrX-32383298-C-T.
Other names: c.4840G>A, p.Glu1614Lys (NM_000109.4); c.4852G>A, p.Glu1618Lys (NM_004009.3); c.4495G>A, p.Glu1499Lys (NM_004010.3); c.841G>A, p.Glu281Lys (NM_004011.4); c.832G>A, p.Glu278Lys (NM_004012.4); short protein forms E1614K, E281K, E1618K, E278K, E1499K, E1622K.
Identifiers: ClinVar variation 2750213 (VCV002750213.3), dbSNP rs2147261270, ClinGen allele CA412672548.